The following continues an entry in ClinVar:

NM_024312.5(GNPTAB):c.3503_3504del (p.Leu1168fs)

Gene: GNPTAB. ClinVar aggregate classification (germline): Pathogenic. Pathogenic (36).

Submissions 29 to 43 of 43:

Women's Health and Genetics/Laboratory Corporation of America, LabCorp
Classification: Pathogenic for Mucolipidosis type II. Last evaluated: 2016-09-22. Review status: criteria provided, single submitter. Criteria: LabCorp Variant Classification Summary - May 2015. Collection method: clinical testing. Allele origin: germline.
Comment: Variant summary: The GNPTAB c.3503_3504delTC (p.Leu1168Glnfs) variant results in a premature termination codon, predicted to cause a truncated or absent GNPTAB protein due to nonsense mediated decay, which are commonly known mechanisms for disease. Truncations downstream of this position have been classified as pathogenic by our laboratory (e.g.c.3410T>A/p.Leu1137X). One in silico tool predicts a damaging outcome for this variant. This variant was found in 66/121350 control chromosomes at a frequency of 0.0005439, which does not exceed the estimated maximal expected allele frequency of a pathogenic GNPTAB variant (0.0022361). This variant has been reported in many affected individuals both as homozygotes and compound heterozygotes. Functional studies showed that this variant led to nearly non-detectable level of enzyme activity. In addition, multiple clinical diagnostic laboratories/reputable databases classified this variant as pathogenic. Taken together, this variant is classified as pathogenic.

Eurofins Ntd Llc (ga)
Classification: Pathogenic. Last evaluated: 2015-12-08. Review status: criteria provided, single submitter. Criteria: EGL Classification Definitions. Collection method: clinical testing. Allele origin: germline. Observed: 60 variant alleles, 51 heterozygotes, 11 homozygotes.

Center for Pediatric Genomic Medicine, Children's Mercy Hospital and Clinics
Classification: Pathogenic. Last evaluated: 2015-02-02. Review status: criteria provided, single submitter. Criteria: ACMG Guidelines, 2015. Collection method: clinical testing. Allele origin: germline.

Laboratory for Molecular Medicine, Mass General Brigham Personalized Medicine
Classification: Pathogenic for I cell disease. Last evaluated: 2014-11-25. Review status: criteria provided, single submitter. Criteria: LMM Criteria. Collection method: clinical testing. Allele origin: germline. Inheritance: Autosomal recessive inheritance. Observed: 1 variant allele. Study: CSER-MedSeq.
Comment: The p.Leu1168GlnfsX5 mutation is the most common mucolipidosis II alpha/beta mutation worldwide and has also been shown to cause Mucolipidosis IIIA in the compound heterozygous state, in combination with mild mutations (Kudo, 2006, summarized in De Pace 2013). This variant has been identified in 0.06% (5/8254) of European American chromosomes and 0.047% (2/4264) of African American chromosomes by the NHLBI Exome Sequencing Project (dbSNP rs34002892), consistent with recessive carrier frequencies. This variant is predicted to cause a frameshift, which alters the protein’s amino acid sequence beginning at position 1168 and leads to a premature termination codon 5 amino acids downstream. This alteration is then predicted to lead to a truncated or absent protein. In summary, this variant meets our criteria to be classified as pathogenic for Mucolipidosis II alpha/beta in an autosomal recessive manner.

Baylor Genetics
Classification: Pathogenic for Mucolipidosis type II. Review status: criteria provided, single submitter. Criteria: ACMG Guidelines, 2015. Collection method: clinical testing. Allele origin: germline.

CENTOGENE GmbH and LLC - Guiding Precision Medicine
Classification: Pathogenic for Mucolipidosis type II. Review status: criteria provided, single submitter. Criteria: ACMG Guidelines, 2015. Collection method: clinical testing. Allele origin: germline. Affected: yes.

Kariminejad - Najmabadi Pathology & Genetics Center
Classification: Pathogenic for Mucolipidosis type II. Review status: criteria provided, single submitter. Criteria: ACMG Guidelines, 2015. Collection method: clinical testing. Allele origin: germline. Affected: no.

Neuberg Centre For Genomic Medicine, NCGM
Classification: Pathogenic for Pseudo-Hurler polydystrophy. Review status: criteria provided, single submitter. Criteria: ACMG Guidelines, 2015. Collection method: clinical testing. Allele origin: germline. Inheritance: Autosomal recessive inheritance. Affected: yes.
Comment: The frameshift variant c.3503_3504del (p.Leu1168GlnfsTer5) in the GNPTAB gene has been reported previously in homozygous state in multiple individuals affected with Mucolipidosis Type II and Type III. It is the most common variant. This variant is reported with the allele frequency (0.04%) in the gnomAD Exomes. It is submitted to ClinVar as Likely Pathogenic/ Pathogenic (Multiple submitters). This variant causes a frameshift starting with codon Leucine 1168, changes this amino acid to Glutamine residue, and creates a premature Stop codon at position 5 of the new reading frame. This variant is predicted to cause a loss of normal protein function through protein truncation. Loss of function variants has been previously reported to be disease-causing. For these reasons, this variant has been classified as Pathogenic.

Counsyl
Classification: Pathogenic for Mucolipidosis type II. Last evaluated: 2016-11-18. Review status: no assertion criteria provided. Collection method: clinical testing. Allele origin: unknown. Not counted in ClinVar's aggregate classification.

GeneReviews
Classification: Pathogenic for Mucolipidosis III Alpha/Beta. Last evaluated: 2012-05-10. Review status: no assertion criteria provided. Collection method: curation. Allele origin: unknown. Not counted in ClinVar's aggregate classification.
ClinVar note: Converted during submission from pathologic to Pathogenic.

OMIM
Classification: Pathogenic for MUCOLIPIDOSIS II ALPHA/BETA. Last evaluated: 2011-09-01. Review status: no assertion criteria provided. Collection method: literature only. Allele origin: germline. Not counted in ClinVar's aggregate classification.

OMIM
Classification: Pathogenic for MUCOLIPIDOSIS III ALPHA/BETA. Last evaluated: 2011-09-01. Review status: no assertion criteria provided. Collection method: literature only. Allele origin: germline. Not counted in ClinVar's aggregate classification.

Clinical Genetics DNA and cytogenetics Diagnostics Lab, Erasmus MC, Erasmus Medical Center
Classification: Pathogenic. Review status: no assertion criteria provided. Collection method: clinical testing. Allele origin: germline. Affected: yes. Study: VKGL Data-share Consensus. Not counted in ClinVar's aggregate classification.

GeneReviews
No classification provided. Condition: Mucolipidosis type II. Review status: no classification provided. Collection method: literature only. Allele origin: unknown. Not counted in ClinVar's aggregate classification.

Joint Genome Diagnostic Labs from Nijmegen and Maastricht, Radboudumc and MUMC+
Classification: Likely pathogenic. Review status: no assertion criteria provided. Collection method: clinical testing. Allele origin: germline. Affected: yes. Study: VKGL Data-share Consensus. Not counted in ClinVar's aggregate classification.

Literature cited by the submitters: PubMed 19617216 (cited by Labcorp Genetics (formerly Invitae), Labcorp and Illumina Laboratory Services, Illumina); PubMed 25107912 (cited by Labcorp Genetics (formerly Invitae), Labcorp and Department of Molecular Genetics, Istishari Arab Hospital); PubMed 16465621 (cited by 12 submitters); PubMed 20880125 (cited by 8 submitters); PubMed 24375680 (cited by 8 submitters); PubMed 25606425 (cited by 4 submitters); PubMed 27710913 (cited by Labcorp Genetics (formerly Invitae), Labcorp and Dasa); PubMed 23566849 (cited by 3 submitters); PubMed 34342781 (cited by Dasa); PubMed 32651481 (cited by Dasa); DOI 10.1186/s43141-021-00204-4 (cited by Medical Molecular Genetics Department, Human Genetics and Genome Research Division, National Research Centre); PubMed 30882951 (cited by Mayo Clinic Laboratories, Mayo Clinic); PubMed 25788519 (cited by Ambry Genetics and Illumina Laboratory Services, Illumina); PubMed 21228398 (cited by Myriad Genetics, Inc. and Counsyl); PubMed 16630736 (cited by Illumina Laboratory Services, Illumina); PubMed 24685522 (cited by Illumina Laboratory Services, Illumina); PubMed 19659762 (cited by Illumina Laboratory Services, Illumina and OMIM); PubMed 18190596 (cited by Illumina Laboratory Services, Illumina and OMIM); PubMed 20301728 (cited by GeneReviews); NCBI Bookshelf NBK1828 (cited by GeneReviews).